The following is an entry in ClinVar:

NM_000051.4(ATM):c.7880A>G (p.Tyr2627Cys)

Genes: ATM (ATM serine/threonine kinase; plus strand), C11orf65 (chromosome 11 open reading frame 65; minus strand). Cytogenetic location: 11q22.3.
Variant type: single nucleotide variant.
Coding change: c.7880A>G on transcript NM_000051.4 (MANE Select); coding-DNA position 7880, A replaced by G.
Protein change: p.Tyr2627Cys; replaces tyrosine 2627 with cysteine.
Molecular consequence: missense variant. On other transcripts: intron variant (2).
Genome position (GRCh38, 1-based): chr11:108,332,853, A>G. VCF-style: chr11-108332853-A-G. GRCh37 (hg19) VCF-style: chr11-108203580-A-G.
Other names: c.7880A>G, p.Tyr2627Cys (NM_001351834.2); c.641-23782T>C (NM_001330368.2); c.*38+2367T>C (NM_001351110.2); short protein forms Y2627C.
Identifiers: ClinVar variation 220064 (VCV000220064.32), dbSNP rs767670019, ClinGen allele CA348974.

ClinVar aggregate classification (germline): Conflicting classifications of pathogenicity. Review status: criteria provided, conflicting classifications (1 of 4 stars). 7 submissions from 7 submitters: Likely pathogenic (1); Uncertain significance (4). 2 of the submissions do not count toward it. Last evaluated 2025-09-10.

Conditions:
ATM-related disorder. Also called: ATM-related disorders; ATM-related condition.
Hereditary cancer-predisposing syndrome. Also called: Neoplastic Syndromes, Hereditary; Hereditary neoplastic syndrome; Tumor predisposition; Hereditary Cancer Syndrome. Identifiers: Orphanet 140162, MedGen C0027672, MeSH D009386, MONDO:0015356.
Ataxia-telangiectasia syndrome (AT). Also called: Ataxia telangiectasia (A-T); Cerebello-oculocutaneous telangiectasia; Immunodeficiency with ataxia telangiectasia; LOUIS-BAR SYNDROME; AT, COMPLEMENTATION GROUP C; ATAXIA-TELANGIECTASIA, FRESNO VARIANT. Identifiers: Orphanet 100, MedGen C0004135, MONDO:0008840, OMIM 208900.

Allele frequency attached by ClinVar (database versions not stated): TOPMed below 0.00001; ExAC 0.00002; gnomAD 0.00001.
gnomAD v4.1: 3 of 1,613,144 alleles (0.00019%); highest among the groups gnomAD compares: Non-Finnish European, 0.00017%; no homozygotes.

Submissions (7):

Labcorp Genetics (formerly Invitae), Labcorp
Classification: Likely pathogenic for Ataxia-telangiectasia syndrome. Last evaluated: 2025-09-10. Review status: criteria provided, single submitter. Criteria: Invitae Variant Classification Sherloc (09022015). Collection method: clinical testing. Allele origin: germline.
Comment: This sequence change replaces tyrosine, which is neutral and polar, with cysteine, which is neutral and slightly polar, at codon 2627 of the ATM protein (p.Tyr2627Cys). This variant is not present in population databases (gnomAD no frequency). This missense change has been observed in individual(s) with breast cancer and/or lung squamous cell carcinoma (PMID: 26689913). ClinVar contains an entry for this variant (Variation ID: 220064). Invitae Evidence Modeling of protein sequence and biophysical properties (such as structural, functional, and spatial information, amino acid conservation, physicochemical variation, residue mobility, and thermodynamic stability) indicates that this missense variant is expected to disrupt ATM protein function with a positive predictive value of 95%. This variant disrupts the p.Tyr2627 amino acid residue in ATM. Other variant(s) that disrupt this residue have been determined to be pathogenic (PMID: 22071889). This suggests that this residue is clinically significant, and that variants that disrupt this residue are likely to be disease-causing. In summary, the currently available evidence indicates that the variant is pathogenic, but additional data are needed to prove that conclusively. Therefore, this variant has been classified as Likely Pathogenic.

Ambry Genetics
Classification: Uncertain significance for Hereditary cancer-predisposing syndrome. Last evaluated: 2025-06-23. Review status: criteria provided, single submitter. Criteria: Ambry Variant Classification Scheme 2023. Collection method: clinical testing. Allele origin: germline.
Comment: The p.Y2627C variant (also known as c.7880A>G), located in coding exon 52 of the ATM gene, results from an A to G substitution at nucleotide position 7880. The tyrosine at codon 2627 is replaced by cysteine, an amino acid with highly dissimilar properties. This alteration was detected in a cohort of 1663 Brazilian breast cancer patients who underwent hereditary multigene panel testing (Guindalini RSC et al. Sci Rep, 2022 Mar;12:4190). This amino acid position is highly conserved in available vertebrate species. In addition, this alteration is predicted to be deleterious by in silico analysis. Based on the available evidence, the clinical significance of this alteration remains unclear.

Color Diagnostics, LLC DBA Color Health
Classification: Uncertain significance for Hereditary cancer-predisposing syndrome. Last evaluated: 2021-06-08. Review status: criteria provided, single submitter. Criteria: ACMG Guidelines, 2015. Collection method: clinical testing. Allele origin: germline.
Comment: This missense variant replaces tyrosine with cysteine at codon 2627 of the ATM protein. Computational prediction suggests that this variant may have deleterious impact on protein structure and function (internally defined REVEL score threshold >= 0.7, PMID: 27666373). To our knowledge, functional studies have not been reported for this variant. This variant has not been reported in individuals affected with hereditary cancer in the literature. This variant has not been identified in the general population by the Genome Aggregation Database (gnomAD). The available evidence is insufficient to determine the role of this variant in disease conclusively. Therefore, this variant is classified as a Variant of Uncertain Significance.

Mendelics
Classification: Uncertain significance for Ataxia-telangiectasia syndrome. Last evaluated: 2018-07-02. Review status: criteria provided, single submitter. Criteria: Mendelics Assertion Criteria 2017. Collection method: clinical testing. Allele origin: unknown.

Quest Diagnostics Nichols Institute San Juan Capistrano
Classification: Uncertain significance. Last evaluated: 2012-10-15. Review status: criteria provided, single submitter. Criteria: Quest Diagnostics criteria. Collection method: clinical testing. Allele origin: unknown.
Comment: In the published literature, this variant has been reported in individuals with breast cancer (PMID: 35264596 (2022)) and lung squamous cell carcinoma (PMID: 26689913 (2015)). The frequency of this variant in the general population, 0.0000066 (1/152192 chromosomes (Genome Aggregation Database)), is uninformative in the assessment of its pathogenicity. Analysis of this variant using bioinformatics tools for the prediction of the effect of amino acid changes on protein structure and function yielded predictions that this variant is damaging. Based on the available information, we are unable to determine the clinical significance of this variant.

PreventionGenetics, part of Exact Sciences
Classification: Uncertain significance for ATM-related condition. Last evaluated: 2024-01-02. Review status: no assertion criteria provided. Collection method: clinical testing. Allele origin: germline. Not counted in ClinVar's aggregate classification.
Comment: The ATM c.7880A>G variant is predicted to result in the amino acid substitution p.Tyr2627Cys. This variant was reported in an individual with breast cancer and an individual with squamous cell lung carcinoma (Table S3, Guindalini et al. 2022. PubMed ID: 35264596; Supplementary Data 12, Lu et al. 2015. PubMed ID: 26689913). This variant has not been reported in a large population database, indicating this variant is rare. It has conflicting interpretations of likely pathogenic and uncertain in ClinVar. At this time, the clinical significance of this variant is uncertain due to the absence of conclusive functional and genetic evidence.

Natera, Inc.
Classification: Uncertain significance for Ataxia-telangiectasia. Last evaluated: 2021-02-10. Review status: no assertion criteria provided. Collection method: clinical testing. Allele origin: germline. Not counted in ClinVar's aggregate classification.

Literature cited by the submitters: PubMed 26689913 (cited by Labcorp Genetics (formerly Invitae), Labcorp and Quest Diagnostics Nichols Institute San Juan Capistrano); PubMed 22071889 (cited by Labcorp Genetics (formerly Invitae), Labcorp); PubMed 35264596 (cited by Ambry Genetics and Quest Diagnostics Nichols Institute San Juan Capistrano).